The following is an entry in ClinVar:

NM_000321.3(RB1):c.459G>C (p.Lys153Asn)

Gene: RB1 (RB transcriptional corepressor 1; plus strand). Cytogenetic location: 13q14.2.
Variant type: single nucleotide variant.
Coding change: c.459G>C on transcript NM_000321.3 (MANE Select); coding-DNA position 459, G replaced by C.
Protein change: p.Lys153Asn; replaces lysine 153 with asparagine.
Molecular consequence: missense variant.
Genome position (GRCh38, 1-based): chr13:48,345,158, G>C. VCF-style: chr13-48345158-G-C. GRCh37 (hg19) VCF-style: chr13-48919294-G-C.
Other names: c.459G>C (NM_000321.2); short protein forms K153N.
Identifiers: ClinVar variation 1059540 (VCV001059540.12), dbSNP rs773642334, ClinGen allele CA038197.

ClinVar aggregate classification (germline): Conflicting classifications of pathogenicity. Review status: criteria provided, conflicting classifications (1 of 4 stars). 3 submissions from 3 submitters: Uncertain significance (2); Likely benign (1). Last evaluated 2026-05-18.

Conditions:
Hereditary cancer-predisposing syndrome. Also called: Hereditary neoplastic syndrome; Neoplastic Syndromes, Hereditary; Tumor predisposition; Hereditary Cancer Syndrome. Identifiers: Orphanet 140162, MedGen C0027672, MeSH D009386, MONDO:0015356.
Retinoblastoma (RB1). Also called: RETINOBLASTOMA, SOMATIC. Identifiers: Orphanet 790, MedGen C0035335, MeSH D012175, MONDO:0008380, OMIM 180200, HP:0009919. Disease mechanism: loss of function. Inheritance: Both sporadic and heritable forms are tested..

Allele frequency attached by ClinVar (database versions not stated): gnomAD exomes below 0.00001; ExAC 0.00001.

Submissions (3):

Ambry Genetics
Classification: Likely benign for Hereditary cancer-predisposing syndrome. Last evaluated: 2026-05-18. Review status: criteria provided, single submitter. Criteria: Ambry Variant Classification Scheme 2023. Collection method: clinical testing. Allele origin: germline.

Labcorp Genetics (formerly Invitae), Labcorp
Classification: Uncertain significance for Retinoblastoma. Last evaluated: 2024-04-22. Review status: criteria provided, single submitter. Criteria: Invitae Variant Classification Sherloc (09022015). Collection method: clinical testing. Allele origin: germline.
Comment: This sequence change replaces lysine, which is basic and polar, with asparagine, which is neutral and polar, at codon 153 of the RB1 protein (p.Lys153Asn). This variant is present in population databases (rs773642334, gnomAD 0.0009%). This variant has not been reported in the literature in individuals affected with RB1-related conditions. ClinVar contains an entry for this variant (Variation ID: 1059540). Advanced modeling of protein sequence and biophysical properties (such as structural, functional, and spatial information, amino acid conservation, physicochemical variation, residue mobility, and thermodynamic stability) performed at Invitae indicates that this missense variant is not expected to disrupt RB1 protein function with a negative predictive value of 80%. In summary, the available evidence is currently insufficient to determine the role of this variant in disease. Therefore, it has been classified as a Variant of Uncertain Significance.

All of Us Research Program, National Institutes of Health
Classification: Uncertain significance for Retinoblastoma. Last evaluated: 2023-06-26. Review status: criteria provided, single submitter. Criteria: ACMG Guidelines, 2015. Collection method: clinical testing. Allele origin: germline. Inheritance: Autosomal dominant inheritance. Observed: 1 variant allele, 1 heterozygote.
Comment: This missense variant replaces lysine with asparagine at codon 153 of the RB1 protein. Computational prediction suggests that this variant may not impact protein structure and function (internally defined REVEL score threshold <= 0.5, PMID: 27666373). To our knowledge, functional studies have not been reported for this variant. This variant has not been reported in individuals affected with RB1-related disorders in the literature. This variant has been identified in 1/250748 chromosomes in the general population by the Genome Aggregation Database (gnomAD). The available evidence is insufficient to determine the role of this variant in disease conclusively. Therefore, this variant is classified as a Variant of Uncertain Significance.

This study involves interpretation of variants in research participants for the purpose of population health screening. Participant phenotype was not available at the time of variant classification. Additional details can be found in publication PMID: 35346344, PMCID: PMC8962531